The following is an entry in ClinVar:

ClinVar aggregate classification (germline): Likely benign. Review status: criteria provided, multiple submitters, no conflicts (2 of 4 stars). 3 submissions from 3 submitters: Likely benign (3). Last evaluated 2025-09-29.

Conditions:
Joubert syndrome. Also called: JOUBERT-BOLTSHAUSER SYNDROME; Familial aplasia of the vermis. Identifiers: Orphanet 475, MedGen C5979921, MONDO:0018772.

Allele frequency attached by ClinVar (database versions not stated): gnomAD exomes 0.00001; ExAC 0.00002; gnomAD 0.00003 and 0.00007; 1000 Genomes Project 0.00020.
gnomAD v4.1: 24 of 1,560,852 alleles (0.0015%); highest among the groups gnomAD compares: Middle Eastern, 0.018%; no homozygotes.

Submissions (3):

Labcorp Genetics (formerly Invitae), Labcorp
Classification: Likely benign for Joubert syndrome. Last evaluated: 2025-09-29. Review status: criteria provided, single submitter. Criteria: Invitae Variant Classification Sherloc (09022015). Collection method: clinical testing. Allele origin: germline.

Blueprint Genetics
Classification: Likely benign. Last evaluated: 2023-07-21. Review status: criteria provided, single submitter. Criteria: ACMG Guidelines, 2015. Collection method: clinical testing. Allele origin: germline.

GeneDx
Classification: Likely benign. Last evaluated: 2016-08-02. Review status: criteria provided, single submitter. Criteria: GeneDx Variant Classification (06012015). Collection method: clinical testing. Allele origin: germline. Affected: yes.
Comment: This variant is considered likely benign or benign based on one or more of the following criteria: it is a conservative change, it occurs at a poorly conserved position in the protein, it is predicted to be benign by multiple in silico algorithms, and/or has population frequency not consistent with disease.

NM_019892.6(INPP5E):c.1549+19G>A

Gene: INPP5E (inositol polyphosphate-5-phosphatase E; minus strand). Cytogenetic location: 9q34.3.
Variant type: single nucleotide variant.
Coding change: c.1549+19G>A on transcript NM_019892.6 (MANE Select); 19 bases into the intron after coding-DNA position 1549, G replaced by A.
Molecular consequence: intron variant.
Genome position (GRCh38, 1-based): chr9:136,431,805, C>T on the plus strand (G>A on the coding strand, the complement: INPP5E is on the minus strand). VCF-style: chr9-136431805-C-T. GRCh37 (hg19) VCF-style: chr9-139326257-C-T.
Other names: c.1546+19G>A (NM_001318502.2).
Identifiers: ClinVar variation 388114 (VCV000388114.7), dbSNP rs547569007, ClinGen allele CA5336750.
Genomic context (GRCh38, chr9:136,431,805, plus strand): 5'-CTCATCTCCCTCCACGCCCGCCCCCCCAGGCCCTCACCTCTCCTCATCTCCCTCCATGCC[C>T]GCCCCCCCAGGCCCTCACCTTTCCGCATCTCCCGGATGAGCTGGTCGTGCTGCAGCAGCG-3'